The following is an entry in ClinVar:

NM_001035.3(RYR2):c.14438A>G (p.Tyr4813Cys)

Gene: RYR2 (ryanodine receptor 2; plus strand). Cytogenetic location: 1q43.
Variant type: single nucleotide variant.
Coding change: c.14438A>G on transcript NM_001035.3 (MANE Select); coding-DNA position 14438, A replaced by G.
Protein change: p.Tyr4813Cys; replaces tyrosine 4813 with cysteine.
Molecular consequence: missense variant.
Genome position (GRCh38, 1-based): chr1:237,819,040, A>G. VCF-style: chr1-237819040-A-G. GRCh37 (hg19) VCF-style: chr1-237982340-A-G.
Other names: short protein forms Y4813C.
Identifiers: ClinVar variation 4809256 (VCV004809256.1).

ClinVar aggregate classification (germline): Uncertain significance (1 of 4 stars; one submission).

Conditions:
Catecholaminergic polymorphic ventricular tachycardia 1. Also called: VENTRICULAR TACHYCARDIA, STRESS-INDUCED POLYMORPHIC 1; VENTRICULAR TACHYCARDIA, CATECHOLAMINERGIC POLYMORPHIC, 1, WITH OR WITHOUT ATRIAL DYSFUNCTION AND/OR DILATED CARDIOMYOPATHY; RYR2-Related Catecholaminergic Polymorphic Ventricular Tachycardia. Identifiers: Orphanet 3286, MedGen C1631597, MONDO:0011484, OMIM 604772.

Submission:

Labcorp Genetics (formerly Invitae), Labcorp
Classification: Uncertain significance for Catecholaminergic polymorphic ventricular tachycardia 1. Last evaluated: 2025-06-18. Review status: criteria provided, single submitter. Criteria: Invitae Variant Classification Sherloc (09022015). Collection method: clinical testing. Allele origin: germline.
Comment: This sequence change replaces tyrosine, which is neutral and polar, with cysteine, which is neutral and slightly polar, at codon 4813 of the RYR2 protein (p.Tyr4813Cys). This variant is not present in population databases (gnomAD no frequency). This variant has not been reported in the literature in individuals affected with RYR2-related conditions. Invitae Evidence Modeling of protein sequence and biophysical properties (such as structural, functional, and spatial information, amino acid conservation, physicochemical variation, residue mobility, and thermodynamic stability) indicates that this missense variant is expected to disrupt RYR2 protein function with a positive predictive value of 95%. In summary, the available evidence is currently insufficient to determine the role of this variant in disease. Therefore, it has been classified as a Variant of Uncertain Significance.